The following is an entry in ClinVar:

NM_000264.5(PTCH1):c.657_669del (p.Ile220fs)

Gene: PTCH1 (patched 1; minus strand). Cytogenetic location: 9q22.32.
Variant type: Deletion.
Coding change: c.657_669del on transcript NM_000264.5 (MANE Select); coding-DNA positions 657 to 669, 13 bases deleted (AATAGAATATCTT).
Protein change: p.Ile220fs; shifts the reading frame from isoleucine 220.
Molecular consequence: frameshift variant. On other transcripts: non-coding transcript variant (1).
Genome position (GRCh38, 1-based): chr9:95,482,026-95,482,038, AAGATATTCTATT deleted on the plus strand (AATAGAATATCTT on the coding strand, the reverse complement: PTCH1 is on the minus strand); deleting any 13 consecutive bases within chr9:95,482,026-95,482,039 gives the same sequence; the c. name uses the placement nearest the transcript's 3' end. VCF-style (leftmost placement, unchanged base first): chr9-95482025-AAAGATATTCTATT-A. GRCh37 (hg19) VCF-style: chr9-98244307-AAAGATATTCTATT-A.
Other names: c.459_471del, p.Ile154fs (NM_001083602.3, NM_001354919.2); c.654_666del, p.Ile219fs (NM_001083603.3); c.204_216del, p.Ile69fs (NM_001083604.3, NM_001083605.3, NM_001083606.3 and 1 more transcripts); c.657_669del, p.Ile220fs (NM_001354918.2); short protein forms I69fs, I220fs, I154fs, I219fs.
Identifiers: ClinVar variation 4716841 (VCV004716841.1).

ClinVar aggregate classification (germline): Pathogenic (1 of 4 stars; one submission).

Conditions:
Gorlin syndrome. Also called: Basal cell nevus syndrome; Nevoid Basal Cell Carcinoma Syndrome. Identifiers: Orphanet 377, MedGen C0004779, MONDO:0007187.

Submission:

Labcorp Genetics (formerly Invitae), Labcorp
Classification: Pathogenic for Gorlin syndrome. Last evaluated: 2025-04-08. Review status: criteria provided, single submitter. Criteria: Invitae Variant Classification Sherloc (09022015). Collection method: clinical testing. Allele origin: germline.
Comment: This sequence change creates a premature translational stop signal (p.Ile220Thrfs*4) in the PTCH1 gene. It is expected to result in an absent or disrupted protein product. Loss-of-function variants in PTCH1 are known to be pathogenic (PMID: 16301862, 16419085). This variant is not present in population databases (gnomAD no frequency). This variant has not been reported in the literature in individuals affected with PTCH1-related conditions. For these reasons, this variant has been classified as Pathogenic.

Literature cited by the submitters: PubMed 16301862; PubMed 16419085.